The following is an entry in ClinVar:

ClinVar aggregate classification (germline): Pathogenic/Likely pathogenic. Review status: criteria provided, multiple submitters, no conflicts (2 of 4 stars). 3 submissions from 3 submitters: Pathogenic (1); Likely pathogenic (2). Last evaluated 2025-10-26.

Conditions:
Short-rib thoracic dysplasia 11 with or without polydactyly (SRTD11). Also called: SHORT-RIB THORACIC DYSPLASIA 11 WITHOUT POLYDACTYLY. Identifiers: Orphanet 474, Orphanet 93271, MedGen C3810200, MONDO:0014287, OMIM 615633.
DYNC2I2 & WDR34-related disorders.

Submissions (3):

Labcorp Genetics (formerly Invitae), Labcorp
Classification: Pathogenic for Short-rib thoracic dysplasia 11 with or without polydactyly. Last evaluated: 2025-10-26. Review status: criteria provided, single submitter. Criteria: Invitae Variant Classification Sherloc (09022015). Collection method: clinical testing. Allele origin: germline.
Comment: This sequence change creates a premature translational stop signal (p.Glu368Glyfs*46) in the WDR34 gene. It is expected to result in an absent or disrupted protein product. Loss-of-function variants in WDR34 are known to be pathogenic (PMID: 24183449, 24183451, 28379358). This variant is present in population databases (rs759150616, gnomAD 0.02%). This variant has not been reported in the literature in individuals affected with WDR34-related conditions. ClinVar contains an entry for this variant (Variation ID: 838321). For these reasons, this variant has been classified as Pathogenic.

Blueprint Genetics
Classification: Likely pathogenic for DYNC2I2 & WDR34-related disorders. Last evaluated: 2024-01-05. Review status: criteria provided, single submitter. Criteria: ACMG Guidelines, 2015. Collection method: clinical testing. Allele origin: germline. Affected: yes. Observed: 4 variant alleles.

Revvity Omics, Revvity
Classification: Likely pathogenic for Short-rib thoracic dysplasia 11 with or without polydactyly. Last evaluated: 2021-08-09. Review status: criteria provided, single submitter. Criteria: ACMG Guidelines, 2015. Collection method: clinical testing. Allele origin: germline.

Literature cited by the submitters: PubMed 24183449 (cited by Labcorp Genetics (formerly Invitae), Labcorp); PubMed 24183451 (cited by Labcorp Genetics (formerly Invitae), Labcorp); PubMed 28379358 (cited by Labcorp Genetics (formerly Invitae), Labcorp).

NM_052844.4(DYNC2I2):c.1103_1104del (p.Glu368fs)

Genes: DYNC2I2 (dynein 2 intermediate chain 2; minus strand), LOC126860772 (CDK7 strongly-dependent group 2 enhancer GRCh37_chr9:131396972-131398171; plus strand). Cytogenetic location: 9q34.11.
Variant type: Microsatellite.
Coding change: c.1103_1104del on transcript NM_052844.4 (MANE Select); coding-DNA positions 1103 to 1104, 2 bases deleted (AG; older notation c.1103_1104delAG).
Protein change: p.Glu368fs; shifts the reading frame from glutamic acid 368.
Molecular consequence: frameshift variant.
Genome position (GRCh38, 1-based): chr9:128,634,799-128,634,800, CT deleted on the plus strand (AG on the coding strand, the reverse complement: DYNC2I2 is on the minus strand); deleting any 2 consecutive bases within chr9:128,634,799-128,634,803 gives the same sequence; the c. name uses the placement nearest the transcript's 3' end. VCF-style (leftmost placement, unchanged base first): chr9-128634798-CCT-C. GRCh37 (hg19) VCF-style: chr9-131397077-CCT-C.
Other names: c.1103_1104del (NM_052844.3); short protein forms E368fs.
Identifiers: ClinVar variation 838321 (VCV000838321.11), dbSNP rs759150616, ClinGen allele CA5266344.